The following is an entry in ClinVar:

ClinVar aggregate classification (germline): Uncertain significance (1 of 4 stars; one submission).

Submission:

Mayo Clinic Laboratories, Mayo Clinic
Classification: Uncertain significance. Last evaluated: 2025-02-02. Review status: criteria provided, single submitter. Criteria: ACMG Guidelines, 2015. Collection method: clinical testing. Allele origin: germline. Observed: 1 variant allele.
Comment: PM2_supporting

NM_000270.4(PNP):c.358C>A (p.Leu120Met)

Gene: PNP (purine nucleoside phosphorylase; plus strand). Cytogenetic location: 14q11.2.
Variant type: single nucleotide variant.
Coding change: c.358C>A on transcript NM_000270.4 (MANE Select); coding-DNA position 358, C replaced by A.
Protein change: p.Leu120Met; replaces leucine 120 with methionine.
Molecular consequence: missense variant.
Genome position (GRCh38, 1-based): chr14:20,474,845, C>A. VCF-style: chr14-20474845-C-A. GRCh37 (hg19) VCF-style: chr14-20943004-C-A.
Other names: p.Leu120Met; short protein forms L120M.
Identifiers: ClinVar variation 4541815 (VCV004541815.1).